The following is an entry in ClinVar:

ClinVar aggregate classification (germline): Uncertain significance (1 of 4 stars; one submission).

Allele frequency attached by ClinVar (database versions not stated): ExAC 0.00075.

Submission:

Ambry Genetics
Classification: Uncertain significance. Last evaluated: 2025-09-28. Review status: criteria provided, single submitter. Criteria: Ambry Variant Classification Scheme 2023. Collection method: clinical testing. Allele origin: germline.
Comment: The c.1340G>A (p.R447Q) alteration is located in exon 8 (coding exon 8) of the GOLGA6L6 gene. This alteration results from a G to A substitution at nucleotide position 1340, causing the arginine (R) at amino acid position 447 to be replaced by a glutamine (Q). Based on data from gnomAD, the A allele has an overall frequency of 0.017% (17/101548) total alleles studied. The highest observed frequency was 0.033% (1/3070) of Other alleles. Based on insufficient or conflicting evidence, the clinical significance of this alteration remains unclear.

NM_001145004.2(GOLGA6L6):c.1262G>A (p.Arg421Gln)

Gene: GOLGA6L6 (golgin A6 family like 6 (gene/pseudogene); minus strand). Cytogenetic location: 15q11.2.
Variant type: single nucleotide variant.
Coding change: c.1262G>A on transcript NM_001145004.2 (MANE Select); coding-DNA position 1262, G replaced by A.
Protein change: p.Arg421Gln; replaces arginine 421 with glutamine.
Molecular consequence: missense variant.
Genome position (GRCh38, 1-based): chr15:20,535,172, C>T on the plus strand (G>A on the coding strand, the complement: GOLGA6L6 is on the minus strand). VCF-style: chr15-20535172-C-T. GRCh37 (hg19) VCF-style: chr15-20740410-C-T.
Other names: short protein forms R421Q.
Identifiers: ClinVar variation 2215336 (VCV002215336.3), dbSNP rs759349242, ClinGen allele CA7421495.